The following is an entry in ClinVar:

ClinVar aggregate classification (germline): Uncertain significance (1 of 4 stars; one submission).

Allele frequency attached by ClinVar (database versions not stated): gnomAD exomes below 0.00001.
gnomAD v4.1: 1 of 1,614,162 alleles (0.000062%); highest among the groups gnomAD compares: Admixed American, 0.0017%; no homozygotes.

Submission:

Labcorp Genetics (formerly Invitae), Labcorp
Classification: Uncertain significance. Last evaluated: 2023-12-09. Review status: criteria provided, single submitter. Criteria: Invitae Variant Classification Sherloc (09022015). Collection method: clinical testing. Allele origin: germline.
Comment: This sequence change replaces proline, which is neutral and non-polar, with alanine, which is neutral and non-polar, at codon 458 of the CFI protein (p.Pro458Ala). This variant is present in population databases (no rsID available, gnomAD 0.003%). This variant has not been reported in the literature in individuals affected with CFI-related conditions. Advanced modeling of protein sequence and biophysical properties (such as structural, functional, and spatial information, amino acid conservation, physicochemical variation, residue mobility, and thermodynamic stability) performed at Invitae indicates that this missense variant is not expected to disrupt CFI protein function with a negative predictive value of 80%. In summary, the available evidence is currently insufficient to determine the role of this variant in disease. Therefore, it has been classified as a Variant of Uncertain Significance.

NM_000204.5(CFI):c.1372C>G (p.Pro458Ala)

Gene: CFI (complement factor I; minus strand). Cytogenetic location: 4q25.
Variant type: single nucleotide variant.
Coding change: c.1372C>G on transcript NM_000204.5 (MANE Select); coding-DNA position 1372, C replaced by G.
Protein change: p.Pro458Ala; replaces proline 458 with alanine.
Molecular consequence: missense variant. On other transcripts: non-coding transcript variant (2).
Genome position (GRCh38, 1-based): chr4:109,746,279, G>C on the plus strand (C>G on the coding strand, the complement: CFI is on the minus strand). VCF-style: chr4-109746279-G-C. GRCh37 (hg19) VCF-style: chr4-110667435-G-C.
Other names: c.1396C>G, p.Pro466Ala (NM_001318057.2, NM_001375278.1); c.1351C>G, p.Pro451Ala (NM_001331035.2, NM_001375280.1, NM_001375282.1); c.1372C>G, p.Pro458Ala (NM_001375279.1, NM_001375281.1); c.1315C>G, p.Pro439Ala (NM_001375283.1); c.763C>G, p.Pro255Ala (NM_001375284.1); short protein forms P255A, P439A, P451A, P466A, P458A.
Identifiers: ClinVar variation 2971800 (VCV002971800.3), dbSNP rs1343020448, ClinGen allele CA357856691.
Genomic context (GRCh38, chr4:109,746,279, plus strand): 5'-TACCTTTTTCTCGTCCCCAGCCAGAAACGATGCATGTATCATTAGGTTGGAATAGGTAAG[G>C]AGACCAGGGGACACAGGCAGGGATGGAACGAGGCAGCTCACAATCTTTTTTGTTTCCGTC-3'
Protein context (NP_000195.3, residues 448-468): RSIPACVPWS[Pro458Ala]YLFQPNDTCI